The following is an entry in ClinVar:

ClinVar aggregate classification (germline): Uncertain significance (1 of 4 stars; one submission).

Conditions:
Pyogenic arthritis-pyoderma gangrenosum-acne syndrome (PAPA). Also called: FAMILIAL RECURRENT ARTHRITIS; PAPA SYNDROME. Identifiers: Orphanet 69126, MedGen C1858361, MONDO:0011462, OMIM 604416.

gnomAD v4.1: 23 of 1,607,804 alleles (0.0014%); highest among the groups gnomAD compares: East Asian, 0.0022%; no homozygotes.

Submission:

Labcorp Genetics (formerly Invitae), Labcorp
Classification: Uncertain significance for Pyogenic arthritis-pyoderma gangrenosum-acne syndrome. Last evaluated: 2025-02-16. Review status: criteria provided, single submitter. Criteria: Invitae Variant Classification Sherloc (09022015). Collection method: clinical testing. Allele origin: germline.
Comment: This sequence change replaces arginine, which is basic and polar, with glutamine, which is neutral and polar, at codon 365 of the PSTPIP1 protein (p.Arg365Gln). This variant is present in population databases (rs371781444, gnomAD 0.007%). This variant has not been reported in the literature in individuals affected with PSTPIP1-related conditions. Invitae Evidence Modeling of protein sequence and biophysical properties (such as structural, functional, and spatial information, amino acid conservation, physicochemical variation, residue mobility, and thermodynamic stability) indicates that this missense variant is not expected to disrupt PSTPIP1 protein function with a negative predictive value of 80%. In summary, the available evidence is currently insufficient to determine the role of this variant in disease. Therefore, it has been classified as a Variant of Uncertain Significance.

NM_003978.5(PSTPIP1):c.1094G>A (p.Arg365Gln)

Gene: PSTPIP1 (proline-serine-threonine phosphatase interacting protein 1; plus strand). Cytogenetic location: 15q24.3.
Variant type: single nucleotide variant.
Coding change: c.1094G>A on transcript NM_003978.5 (MANE Select); coding-DNA position 1094, G replaced by A.
Protein change: p.Arg365Gln; replaces arginine 365 with glutamine.
Molecular consequence: missense variant. On other transcripts: non-coding transcript variant (1).
Genome position (GRCh38, 1-based): chr15:77,035,910, G>A. VCF-style: chr15-77035910-G-A. GRCh37 (hg19) VCF-style: chr15-77328251-G-A.
Other names: c.1037G>A, p.Arg346Gln (NM_001321135.2); c.1067G>A, p.Arg356Gln (NM_001321136.2); c.1289G>A, p.Arg430Gln (NM_001321137.1); c.1085G>A, p.Arg362Gln (NM_001411086.1); short protein forms R346Q, R362Q, R365Q, R430Q, R356Q.
Identifiers: ClinVar variation 3673347 (VCV003673347.2).